The following is an entry in ClinVar:

NM_001349245.1(TRAK1):c.-390G>A

Gene: TRAK1 (trafficking kinesin protein 1; plus strand). Cytogenetic location: 3p22.1.
Variant type: single nucleotide variant.
Coding change: c.-390G>A on transcript NM_001349245.1; 390 bases upstream of the start codon, G replaced by A.
Molecular consequence: 5 prime UTR variant. On other transcripts: non-coding transcript variant (1).
Genome position (GRCh38, 1-based): chr3:42,087,232, G>A. VCF-style: chr3-42087232-G-A. GRCh37 (hg19) VCF-style: chr3-42128724-G-A.
Identifiers: ClinVar variation 3389164 (VCV003389164.14).

ClinVar aggregate classification (germline): Uncertain significance (1 of 4 stars; one submission).

Submission:

CeGaT Center for Human Genetics Tuebingen
Classification: Uncertain significance. Last evaluated: 2025-03-01. Review status: criteria provided, single submitter. Criteria: CeGaT Center For Human Genetics Tuebingen Variant Classification Criteria Version 2. Collection method: clinical testing. Allele origin: germline. Affected: yes. Observed: 2 variant alleles.
Comment: TRAK1: PM2